The following is an entry in ClinVar:

ClinVar aggregate classification (germline): Benign/Likely benign. Review status: criteria provided, multiple submitters, no conflicts (2 of 4 stars). 5 submissions from 5 submitters: Benign (3); Likely benign (1). 1 of the submissions does not count toward it. Last evaluated 2025-12-21.

Conditions:
DNAH9-related disorder. Also called: DNAH9-related condition.

Allele frequency attached by ClinVar (database versions not stated): ExAC 0.00065; ESP Exome Variant Server 0.00185; gnomAD 0.00247 and 0.00265; TOPMed 0.00259; 1000 Genomes Project 30x 0.00265; 1000 Genomes Project 0.00319.
gnomAD v4.1: 825 of 1,612,000 alleles (0.051%); highest among the groups gnomAD compares: African/African-American, 0.91%; 5 homozygotes.

Submissions (5):

Labcorp Genetics (formerly Invitae), Labcorp
Classification: Benign. Last evaluated: 2025-12-21. Review status: criteria provided, single submitter. Criteria: Invitae Variant Classification Sherloc (09022015). Collection method: clinical testing. Allele origin: germline.

CeGaT Center for Human Genetics Tuebingen
Classification: Benign. Last evaluated: 2025-12-01. Review status: criteria provided, single submitter. Criteria: CeGaT Center For Human Genetics Tuebingen Variant Classification Criteria Version 2. Collection method: clinical testing. Allele origin: germline. Affected: yes. Observed: 1 variant allele.
Comment: DNAH9: BS1, BS2

Blueprint Genetics
Classification: Likely benign. Last evaluated: 2024-11-14. Review status: criteria provided, single submitter. Criteria: ACMG Guidelines, 2015. Collection method: clinical testing. Allele origin: germline.

Breakthrough Genomics
Classification: Benign. Review status: criteria provided, single submitter. Criteria: ACMG Guidelines, 2015. Collection method: not provided. Allele origin: germline. Inheritance: Autosomal recessive inheritance. Affected: yes.

PreventionGenetics, part of Exact Sciences
Classification: Benign for DNAH9-related condition. Last evaluated: 2019-11-18. Review status: no assertion criteria provided. Collection method: clinical testing. Allele origin: germline. Not counted in ClinVar's aggregate classification.
Comment: This variant is classified as benign based on ACMG/AMP sequence variant interpretation guidelines (Richards et al. 2015 PMID: 25741868, with internal and published modifications).

NM_001372.4(DNAH9):c.10991C>A (p.Thr3664Asn)

Gene: DNAH9 (dynein axonemal heavy chain 9; plus strand). Cytogenetic location: 17p12.
Variant type: single nucleotide variant.
Coding change: c.10991C>A on transcript NM_001372.4 (MANE Select); coding-DNA position 10991, C replaced by A.
Protein change: p.Thr3664Asn; replaces threonine 3664 with asparagine.
Molecular consequence: missense variant. On other transcripts: 5 prime UTR variant (1).
Genome position (GRCh38, 1-based): chr17:11,886,844, C>A. VCF-style: chr17-11886844-C-A. GRCh37 (hg19) VCF-style: chr17-11790161-C-A.
Other names: c.-74C>A (NM_004662.2); c.10991C>A (NM_001372.3); short protein forms T3664N.
Identifiers: ClinVar variation 1600927 (VCV001600927.17), dbSNP rs138874996, ClinGen allele CA8397701.